The following is an entry in ClinVar:

ClinVar aggregate classification (germline): Uncertain significance (1 of 4 stars; one submission).

Conditions:
Hereditary cancer-predisposing syndrome. Also called: Neoplastic Syndromes, Hereditary; Tumor predisposition; Hereditary Cancer Syndrome; Hereditary neoplastic syndrome. Identifiers: Orphanet 140162, MedGen C0027672, MeSH D009386, MONDO:0015356.

Allele frequency attached by ClinVar (database versions not stated): gnomAD exomes below 0.00001.
gnomAD v4.1: 1 of 1,612,396 alleles (0.000062%); highest among the groups gnomAD compares: Admixed American, 0.0017%; no homozygotes.

Submission:

Ambry Genetics
Classification: Uncertain significance for Hereditary cancer-predisposing syndrome. Last evaluated: 2024-12-28. Review status: criteria provided, single submitter. Criteria: Ambry Variant Classification Scheme 2023. Collection method: clinical testing. Allele origin: germline.
Comment: The p.L275F variant (also known as c.825G>C), located in coding exon 3 of the BLM gene, results from a G to C substitution at nucleotide position 825. The leucine at codon 275 is replaced by phenylalanine, an amino acid with highly similar properties. This amino acid position is conserved. In addition, this alteration is predicted to be tolerated by in silico analysis. Since supporting evidence is limited at this time, the clinical significance of this alteration remains unclear.

NM_000057.4(BLM):c.825G>C (p.Leu275Phe)

Gene: BLM (BLM RecQ like helicase; plus strand). Cytogenetic location: 15q26.1.
Variant type: single nucleotide variant.
Coding change: c.825G>C on transcript NM_000057.4 (MANE Select); coding-DNA position 825, G replaced by C.
Protein change: p.Leu275Phe; replaces leucine 275 with phenylalanine.
Molecular consequence: missense variant. On other transcripts: 5 prime UTR variant (1).
Genome position (GRCh38, 1-based): chr15:90,751,812, G>C. VCF-style: chr15-90751812-G-C. GRCh37 (hg19) VCF-style: chr15-91295042-G-C.
Other names: c.825G>C, p.Leu275Phe (NM_001287246.2, NM_001287247.2); c.-467G>C (NM_001287248.2); short protein forms L275F.
Identifiers: ClinVar variation 1762662 (VCV001762662.3), dbSNP rs1386158170, ClinGen allele CA393841667.